The following is an entry in ClinVar:

ClinVar aggregate classification (germline): Uncertain significance. Review status: criteria provided, multiple submitters, no conflicts (2 of 4 stars). 2 submissions from 2 submitters: Uncertain significance (2). Last evaluated 2024-08-10.

Conditions:
Inborn genetic diseases. Identifiers: MedGen C0950123, MeSH D030342.

Allele frequency attached by ClinVar (database versions not stated): gnomAD exomes below 0.00001 and 0.00001; ExAC 0.00001; gnomAD 0.00001; TOPMed 0.00001.

Submissions (2):

Ambry Genetics
Classification: Uncertain significance for Inborn genetic diseases. Last evaluated: 2024-08-10. Review status: criteria provided, single submitter. Criteria: Ambry Variant Classification Scheme 2023. Collection method: clinical testing. Allele origin: germline.

Labcorp Genetics (formerly Invitae), Labcorp
Classification: Uncertain significance. Last evaluated: 2022-02-03. Review status: criteria provided, single submitter. Criteria: Invitae Variant Classification Sherloc (09022015). Collection method: clinical testing. Allele origin: germline.
Comment: This sequence change replaces methionine, which is neutral and non-polar, with valine, which is neutral and non-polar, at codon 124 of the PLK4 protein (p.Met124Val). This variant is present in population databases (rs755727708, gnomAD 0.0009%). This variant has not been reported in the literature in individuals affected with PLK4-related conditions. ClinVar contains an entry for this variant (Variation ID: 1025948). Algorithms developed to predict the effect of missense changes on protein structure and function are either unavailable or do not agree on the potential impact of this missense change (SIFT: "Deleterious"; PolyPhen-2: "Benign"; Align-GVGD: "Class C0"). In summary, the available evidence is currently insufficient to determine the role of this variant in disease. Therefore, it has been classified as a Variant of Uncertain Significance.

NM_014264.5(PLK4):c.370A>G (p.Met124Val)

Gene: PLK4 (polo like kinase 4; plus strand). Cytogenetic location: 4q28.1.
Variant type: single nucleotide variant.
Coding change: c.370A>G on transcript NM_014264.5 (MANE Select); coding-DNA position 370, A replaced by G.
Protein change: p.Met124Val; replaces methionine 124 with valine.
Molecular consequence: missense variant.
Genome position (GRCh38, 1-based): chr4:127,885,740, A>G. VCF-style: chr4-127885740-A-G. GRCh37 (hg19) VCF-style: chr4-128806895-A-G.
Other names: c.274A>G, p.Met92Val (NM_001190799.2); c.247A>G, p.Met83Val (NM_001190801.2); c.370A>G (NM_014264.4); short protein forms M124V, M83V, M92V.
Identifiers: ClinVar variation 1025948 (VCV001025948.3), dbSNP rs755727708, ClinGen allele CA3076568.